The following is an entry in ClinVar:

NM_000090.4(COL3A1):c.690+24G>T

Gene: COL3A1 (collagen type III alpha 1 chain; plus strand). Cytogenetic location: 2q32.2.
Variant type: single nucleotide variant.
Coding change: c.690+24G>T on transcript NM_000090.4 (MANE Select); 24 bases into the intron after coding-DNA position 690, G replaced by T.
Molecular consequence: intron variant.
Genome position (GRCh38, 1-based): chr2:188,989,473, G>T. VCF-style: chr2-188989473-G-T. GRCh37 (hg19) VCF-style: chr2-189854199-G-T.
Identifiers: ClinVar variation 674621 (VCV000674621.2), dbSNP rs11886142, ClinGen allele CA076784.

ClinVar aggregate classification (germline): Benign. Review status: criteria provided, multiple submitters, no conflicts (2 of 4 stars). 2 submissions from 2 submitters: Benign (2). Last evaluated 2018-06-14.

Allele frequency attached by ClinVar (database versions not stated): gnomAD exomes 0.00697; ExAC 0.01038; gnomAD 0.02774 and 0.02980; ESP Exome Variant Server 0.02825; TOPMed 0.03091; 1000 Genomes Project 0.03115; 1000 Genomes Project 30x 0.03326.
gnomAD v4.1: 8,515 of 1,576,602 alleles (0.54%); highest among the groups gnomAD compares: African/African-American, 9.3%; 351 homozygotes.

Submissions (2):

GeneDx
Classification: Benign. Last evaluated: 2018-06-14. Review status: criteria provided, single submitter. Criteria: GeneDx Variant Classification (06012015). Collection method: clinical testing. Allele origin: germline. Affected: yes.
Comment: This variant is considered likely benign or benign based on one or more of the following criteria: it is a conservative change, it occurs at a poorly conserved position in the protein, it is predicted to be benign by multiple in silico algorithms, and/or has population frequency not consistent with disease.

Breakthrough Genomics
Classification: Benign. Review status: criteria provided, single submitter. Criteria: ACMG Guidelines, 2015. Collection method: not provided. Allele origin: germline. Inheritance: Autosomal recessive inheritance. Affected: yes.